The following is an entry in ClinVar:

NM_000552.5(VWF):c.1753G>A (p.Ala585Thr)

Gene: VWF (von Willebrand factor; minus strand). Cytogenetic location: 12p13.31.
Variant type: single nucleotide variant.
Coding change: c.1753G>A on transcript NM_000552.5 (MANE Select); coding-DNA position 1753, G replaced by A.
Protein change: p.Ala585Thr; replaces alanine 585 with threonine.
Molecular consequence: missense variant.
Genome position (GRCh38, 1-based): chr12:6,057,049, C>T on the plus strand (G>A on the coding strand, the complement: VWF is on the minus strand). VCF-style: chr12-6057049-C-T. GRCh37 (hg19) VCF-style: chr12-6166215-C-T.
Other names: p.Ala585Thr; NM_000552.5(VWF):c.1753G>A; short protein forms A585T.
Identifiers: ClinVar variation 993126 (VCV000993126.9), dbSNP rs141777100, ClinGen allele CA6403266.

ClinVar aggregate classification (germline): Uncertain significance. Review status: reviewed by expert panel (3 of 4 stars). 6 submissions from 6 submitters: Uncertain significance (1). 5 of the submissions do not count toward it. Last evaluated 2026-03-03.

Conditions:
von Willebrand disease type 2 (VWD2). Also called: VWD, TYPE 2; VON WILLEBRAND DISEASE, TYPE 2A/IIE; VON WILLEBRAND DISEASE, TYPE 2CB; VON WILLEBRAND DISEASE, TYPE II. Identifiers: Orphanet 166081, Orphanet 903, MedGen C1264040, MONDO:0013304, OMIM 613554.
VWF-related disorder. Also called: VWF-related condition; VWF-related disorders.
Hereditary von Willebrand disease. Identifiers: Orphanet 903, MedGen C5703318, MONDO:0019565. Inheritance: Autosomal recessive or Autosomal dominant.

Allele frequency attached by ClinVar (database versions not stated): TOPMed 0.00048; gnomAD 0.00049 and 0.00050; 1000 Genomes Project 0.00080; gnomAD exomes 0.00005 and 0.00010; ExAC 0.00034; ESP Exome Variant Server 0.00039; 1000 Genomes Project 30x 0.00125.
gnomAD v4.1: 143 of 1,544,146 alleles (0.0093%); highest among the groups gnomAD compares: African/African-American, 0.19%; 1 homozygote.

Submissions (6):

ClinGen von Willebrand Disease Variant Curation Expert Panel, ClinGen
Classification: Uncertain significance for Hereditary von Willebrand disease. Last evaluated: 2026-03-03. Review status: reviewed by expert panel. Criteria: ClinGen VWD 2A B M Rules. Collection method: curation. Allele origin: germline.
Comment: The NM_000552.5:c.1753G>A variant in VWF is a missense variant predicted to cause substitution of alanine by threonine at amino acid 585. The Grpmax filtering allele frequency in gnomAD v4.1 is 0.001633 (based on 139/73602 alleles in the African/African American population including 1 homozygote). This intermediate allele frequency is lower than the ClinGen VWD VCEP threshold (>0.01) for BS1 but higher than the threshold (<0.0001 for type 2) for PM2_Supporting. The computational predictor REVEL gives a score of 0.471, which is above the ClinGen VWD VCEP BP4 threshold of <0.290 and so does not predict a damaging effect on VWF function. Additionally, the computational splicing predictor SpliceAI indicated that the variant has no impact on splicing. In summary, this variant meets the criteria to be classified as a variant of uncertain significance for hereditary von Willebrand disease based on the ACMG/AMP criteria applied (ClinGen von Willebrand Disease Expert Panel Specifications to the ACMG/AMP Variant Interpretation Guidelines for VWF Version 1.0.0)

GeneDx
Classification: Uncertain significance. Last evaluated: 2024-03-22. Review status: criteria provided, single submitter. Criteria: GeneDx Variant Classification Process June 2021. Collection method: clinical testing. Allele origin: germline. Affected: yes. Not counted in ClinVar's aggregate classification.
Comment: In silico analysis supports that this missense variant does not alter protein structure/function; Has not been previously published as pathogenic or benign to our knowledge

Mayo Clinic Laboratories, Mayo Clinic
Classification: Uncertain significance. Last evaluated: 2022-12-19. Review status: criteria provided, single submitter. Criteria: ACMG Guidelines, 2015. Collection method: clinical testing. Allele origin: germline. Observed: 1 variant allele. Not counted in ClinVar's aggregate classification.
Comment: PM1_supporting

Pittsburgh Clinical Genomics Laboratory, University of Pittsburgh Medical Center
Classification: Uncertain significance for von Willebrand disease type 2. Last evaluated: 2022-09-29. Review status: criteria provided, single submitter. Criteria: ACMG Guidelines, 2015. Collection method: clinical testing. Allele origin: germline. Inheritance: Autosomal unknown. Affected: yes. Not counted in ClinVar's aggregate classification.
Comment: This sequence variant is a single nucleotide substitution (G>A) at coding nucleotide 1753 of the VWF gene which results in an alanine to threonine amino acid change at residue 585 in the VWF protein. This is a previously reported variant (ClinVar) which has not been observed in the literature in individuals with VWF-related disease, to our knowledge. This variant is present in 29/174700 alleles (0.02%) in the gnomAD control population dataset. This variant occurs in the VWF propeptide domain. Multiple bioinformatic tools are inconsistent in their predictions if this variant is likely to be damaging or tolerated, and the Ala585 residue is not well conserved in vertebrates. Functiol studies assessing the effect of this variant on protein structure or activity have not been performed, to our knowledge. At this time, there is insufficient evidence to determine if this variant is pathogenic or benign. Therefore, we consider it to be a variant of uncertain significance. ACMG Criteria:

Quest Diagnostics Nichols Institute San Juan Capistrano
Classification: Uncertain significance. Last evaluated: 2020-02-13. Review status: criteria provided, single submitter. Criteria: Quest Diagnostics criteria. Collection method: clinical testing. Allele origin: unknown. Not counted in ClinVar's aggregate classification.

PreventionGenetics, part of Exact Sciences
Classification: Likely benign for VWF-related condition. Last evaluated: 2024-02-07. Review status: no assertion criteria provided. Collection method: clinical testing. Allele origin: germline. Not counted in ClinVar's aggregate classification.
Comment: This variant is classified as likely benign based on ACMG/AMP sequence variant interpretation guidelines (Richards et al. 2015 PMID: 25741868, with internal and published modifications).